The following is an entry in ClinVar:

NM_174937.4(TCERG1L):c.608C>G (p.Ser203Cys)

Gene: TCERG1L (transcription elongation regulator 1 like; minus strand). Cytogenetic location: 10q26.3.
Variant type: single nucleotide variant.
Coding change: c.608C>G on transcript NM_174937.4 (MANE Select); coding-DNA position 608, C replaced by G.
Protein change: p.Ser203Cys; replaces serine 203 with cysteine.
Molecular consequence: missense variant.
Genome position (GRCh38, 1-based): chr10:131,308,273, G>C on the plus strand (C>G on the coding strand, the complement: TCERG1L is on the minus strand). VCF-style: chr10-131308273-G-C. GRCh37 (hg19) VCF-style: chr10-133106536-G-C.
Other names: short protein forms S203C.
Identifiers: ClinVar variation 781955 (VCV000781955.28), dbSNP rs41282900, ClinGen allele CA5750207.

ClinVar aggregate classification (germline): Likely benign. Review status: criteria provided, multiple submitters, no conflicts (2 of 4 stars). 3 submissions from 3 submitters: Likely benign (3). Last evaluated 2023-01-01.

Allele frequency attached by ClinVar (database versions not stated): 1000 Genomes Project 30x 0.00031; 1000 Genomes Project 0.00040; TOPMed 0.00226; ESP Exome Variant Server 0.00231; gnomAD 0.00247 and 0.00255; ExAC 0.00277; gnomAD exomes 0.00307 and 0.00334.
gnomAD v4.1: 5,210 of 1,613,932 alleles (0.32%); highest among the groups gnomAD compares: Middle Eastern, 0.45%; 17 homozygotes.

Submissions (3):

CeGaT Center for Human Genetics Tuebingen
Classification: Likely benign. Last evaluated: 2023-01-01. Review status: criteria provided, single submitter. Criteria: CeGaT Center For Human Genetics Tuebingen Variant Classification Criteria Version 2. Collection method: clinical testing. Allele origin: germline. Affected: yes. Observed: 1 variant allele.
Comment: TCERG1L: BP4, BS2

Labcorp Genetics (formerly Invitae), Labcorp
Classification: Likely benign. Last evaluated: 2018-06-01. Review status: criteria provided, single submitter. Criteria: Invitae Variant Classification Sherloc (09022015). Collection method: clinical testing. Allele origin: germline.

Breakthrough Genomics
Classification: Likely benign. Review status: criteria provided, single submitter. Criteria: ACMG Guidelines, 2015. Collection method: not provided. Allele origin: germline. Inheritance: Unknown mechanism. Affected: yes.